The following is an entry in ClinVar:

ClinVar aggregate classification (germline): Benign. Review status: criteria provided, multiple submitters, no conflicts (2 of 4 stars). 2 submissions from 2 submitters: Benign (2). Last evaluated 2026-01-21.

Allele frequency attached by ClinVar (database versions not stated): ExAC 0.15619; gnomAD 0.22741; ESP Exome Variant Server 0.24519; TOPMed 0.24805; 1000 Genomes Project 0.25399; 1000 Genomes Project 30x 0.26218.
gnomAD v4.1: 194,923 of 1,577,132 alleles (12%); highest among the groups gnomAD compares: African/African-American, 53%; 19,285 homozygotes.

Submissions (34):

Women's Health and Genetics/Laboratory Corporation of America, LabCorp
Classification: Benign. Last evaluated: 2026-01-21. Review status: criteria provided, single submitter. Criteria: LabCorp Variant Classification Summary - May 2015. Collection method: clinical testing. Allele origin: germline.

Unidad de Genómica Garrahan, Hospital de Pediatría Garrahan
Classification: Benign. Last evaluated: 2024-01-24. Review status: criteria provided, single submitter. Criteria: ACMG Guidelines, 2015. Collection method: clinical testing. Allele origin: germline. Affected: no. Observed: 24 variant alleles.
Comment: This variant is classified as Benign based on local population frequency. This variant was detected in 25% of patients studied by a panel of primary immunodeficiencies. Number of patients: 24. Only high quality variants are reported.

Dr. Peter K. Rogan Lab, Western University
No classification provided (evidence only). Condition: Cholangiocarcinoma. Review status: no classification provided. Collection method: in vitro. Allele origin: not applicable. Functional consequence: retained intron. Not counted in ClinVar's aggregate classification.

Dr. Peter K. Rogan Lab, Western University
No classification provided (evidence only). Condition: Uterine carcinosarcoma. Review status: no classification provided. Collection method: in vitro. Allele origin: not applicable. Functional consequence: retained intron. Not counted in ClinVar's aggregate classification.

Dr. Peter K. Rogan Lab, Western University
No classification provided (evidence only). Condition: Uveal melanoma. Review status: no classification provided. Collection method: in vitro. Allele origin: not applicable. Functional consequence: retained intron. Not counted in ClinVar's aggregate classification.

Dr. Peter K. Rogan Lab, Western University
No classification provided (evidence only). Condition: Uveal melanoma. Review status: no classification provided. Collection method: in vitro. Allele origin: not applicable. Functional consequence: retained intron. Not counted in ClinVar's aggregate classification.

Dr. Peter K. Rogan Lab, Western University
No classification provided (evidence only). Condition: Uveal melanoma. Review status: no classification provided. Collection method: in vitro. Allele origin: not applicable. Functional consequence: retained intron. Not counted in ClinVar's aggregate classification.

Dr. Peter K. Rogan Lab, Western University
No classification provided (evidence only). Condition: Chronic lymphocytic leukemia/small lymphocytic lymphoma. Review status: no classification provided. Collection method: in vitro. Allele origin: not applicable. Functional consequence: retained intron. Not counted in ClinVar's aggregate classification.

Dr. Peter K. Rogan Lab, Western University
No classification provided (evidence only). Condition: Chronic lymphocytic leukemia/small lymphocytic lymphoma. Review status: no classification provided. Collection method: in vitro. Allele origin: not applicable. Functional consequence: retained intron. Not counted in ClinVar's aggregate classification.

Dr. Peter K. Rogan Lab, Western University
No classification provided (evidence only). Condition: Chronic lymphocytic leukemia/small lymphocytic lymphoma. Review status: no classification provided. Collection method: in vitro. Allele origin: not applicable. Functional consequence: skipped exon. Not counted in ClinVar's aggregate classification.

Dr. Peter K. Rogan Lab, Western University
No classification provided (evidence only). Condition: Chronic lymphocytic leukemia/small lymphocytic lymphoma. Review status: no classification provided. Collection method: in vitro. Allele origin: not applicable. Functional consequence: retained intron. Not counted in ClinVar's aggregate classification.

Dr. Peter K. Rogan Lab, Western University
No classification provided (evidence only). Condition: Nonpapillary renal cell carcinoma. Review status: no classification provided. Collection method: in vitro. Allele origin: not applicable. Functional consequence: retained intron. Not counted in ClinVar's aggregate classification.

Dr. Peter K. Rogan Lab, Western University
No classification provided (evidence only). Condition: Nonpapillary renal cell carcinoma. Review status: no classification provided. Collection method: in vitro. Allele origin: not applicable. Functional consequence: retained intron. Not counted in ClinVar's aggregate classification.

Dr. Peter K. Rogan Lab, Western University
No classification provided (evidence only). Condition: Familial pancreatic carcinoma. Review status: no classification provided. Collection method: in vitro. Allele origin: not applicable. Functional consequence: skipped exon, retained intron. Not counted in ClinVar's aggregate classification.

Dr. Peter K. Rogan Lab, Western University
No classification provided (evidence only). Condition: Familial pancreatic carcinoma. Review status: no classification provided. Collection method: in vitro. Allele origin: not applicable. Functional consequence: retained intron. Not counted in ClinVar's aggregate classification.

Dr. Peter K. Rogan Lab, Western University
No classification provided (evidence only). Condition: Familial pancreatic carcinoma. Review status: no classification provided. Collection method: in vitro. Allele origin: not applicable. Functional consequence: retained intron. Not counted in ClinVar's aggregate classification.

Dr. Peter K. Rogan Lab, Western University
No classification provided (evidence only). Condition: Familial pancreatic carcinoma. Review status: no classification provided. Collection method: in vitro. Allele origin: not applicable. Functional consequence: retained intron. Not counted in ClinVar's aggregate classification.

Dr. Peter K. Rogan Lab, Western University
No classification provided (evidence only). Condition: Familial pancreatic carcinoma. Review status: no classification provided. Collection method: in vitro. Allele origin: not applicable. Functional consequence: retained intron. Not counted in ClinVar's aggregate classification.

Dr. Peter K. Rogan Lab, Western University
No classification provided (evidence only). Condition: Familial pancreatic carcinoma. Review status: no classification provided. Collection method: in vitro. Allele origin: not applicable. Functional consequence: retained intron. Not counted in ClinVar's aggregate classification.

Dr. Peter K. Rogan Lab, Western University
No classification provided (evidence only). Condition: Familial pancreatic carcinoma. Review status: no classification provided. Collection method: in vitro. Allele origin: not applicable. Functional consequence: retained intron. Not counted in ClinVar's aggregate classification.

Dr. Peter K. Rogan Lab, Western University
No classification provided (evidence only). Condition: Familial pancreatic carcinoma. Review status: no classification provided. Collection method: in vitro. Allele origin: not applicable. Functional consequence: skipped exon. Not counted in ClinVar's aggregate classification.

Dr. Peter K. Rogan Lab, Western University
No classification provided (evidence only). Condition: Familial pancreatic carcinoma. Review status: no classification provided. Collection method: in vitro. Allele origin: not applicable. Functional consequence: retained intron. Not counted in ClinVar's aggregate classification.

Dr. Peter K. Rogan Lab, Western University
No classification provided (evidence only). Condition: Familial pancreatic carcinoma. Review status: no classification provided. Collection method: in vitro. Allele origin: not applicable. Functional consequence: skipped exon, retained intron. Not counted in ClinVar's aggregate classification.

Dr. Peter K. Rogan Lab, Western University
No classification provided (evidence only). Condition: Familial pancreatic carcinoma. Review status: no classification provided. Collection method: in vitro. Allele origin: not applicable. Functional consequence: retained intron. Not counted in ClinVar's aggregate classification.

Dr. Peter K. Rogan Lab, Western University
No classification provided (evidence only). Condition: Familial pancreatic carcinoma. Review status: no classification provided. Collection method: in vitro. Allele origin: not applicable. Functional consequence: retained intron. Not counted in ClinVar's aggregate classification.

Dr. Peter K. Rogan Lab, Western University
No classification provided (evidence only). Condition: Hepatocellular carcinoma. Review status: no classification provided. Collection method: in vitro. Allele origin: not applicable. Functional consequence: retained intron. Not counted in ClinVar's aggregate classification.

Dr. Peter K. Rogan Lab, Western University
No classification provided (evidence only). Condition: Lymphoma. Review status: no classification provided. Collection method: in vitro. Allele origin: not applicable. Functional consequence: skipped exon. Not counted in ClinVar's aggregate classification.

Dr. Peter K. Rogan Lab, Western University
No classification provided (evidence only). Condition: Lymphoma. Review status: no classification provided. Collection method: in vitro. Allele origin: not applicable. Functional consequence: retained intron. Not counted in ClinVar's aggregate classification.

Dr. Peter K. Rogan Lab, Western University
No classification provided (evidence only). Condition: Lymphoma. Review status: no classification provided. Collection method: in vitro. Allele origin: not applicable. Functional consequence: retained intron. Not counted in ClinVar's aggregate classification.

Dr. Peter K. Rogan Lab, Western University
No classification provided (evidence only). Condition: Ovarian cancer. Review status: no classification provided. Collection method: in vitro. Allele origin: not applicable. Functional consequence: retained intron. Not counted in ClinVar's aggregate classification.

Dr. Peter K. Rogan Lab, Western University
No classification provided (evidence only). Condition: Ovarian cancer. Review status: no classification provided. Collection method: in vitro. Allele origin: not applicable. Functional consequence: skipped exon. Not counted in ClinVar's aggregate classification.

Dr. Peter K. Rogan Lab, Western University
No classification provided (evidence only). Condition: Ovarian cancer. Review status: no classification provided. Collection method: in vitro. Allele origin: not applicable. Functional consequence: skipped exon. Not counted in ClinVar's aggregate classification.

Dr. Peter K. Rogan Lab, Western University
No classification provided (evidence only). Condition: Ovarian cancer. Review status: no classification provided. Collection method: in vitro. Allele origin: not applicable. Functional consequence: retained intron. Not counted in ClinVar's aggregate classification.

Dr. Peter K. Rogan Lab, Western University
No classification provided (evidence only). Condition: Ovarian cancer. Review status: no classification provided. Collection method: in vitro. Allele origin: not applicable. Functional consequence: skipped exon. Not counted in ClinVar's aggregate classification.

NM_016128.4(COPG1):c.91-11T>C

Gene: COPG1 (coat protein complex I subunit gamma 1; plus strand). Cytogenetic location: 3q21.3.
Variant type: single nucleotide variant.
Coding change: c.91-11T>C on transcript NM_016128.4 (MANE Select); 11 bases into the intron before coding-DNA position 91, T replaced by C.
Molecular consequence: intron variant.
Genome position (GRCh38, 1-based): chr3:129,252,270, T>C. VCF-style: chr3-129252270-T-C. GRCh37 (hg19) VCF-style: chr3-128971113-T-C.
Other names: NC_000003.11:g.128971113T>C.
Identifiers: ClinVar variation 2688299 (VCV002688299.4), dbSNP rs4927953, ClinGen allele CA2603429.